The following is an entry in ClinVar:

NM_001367916.1(MAGT1):c.107T>C (p.Val36Ala)

Gene: MAGT1 (magnesium transporter 1; minus strand). Cytogenetic location: Xq21.1.
Variant type: single nucleotide variant.
Coding change: c.107T>C on transcript NM_001367916.1 (MANE Select); coding-DNA position 107, T replaced by C.
Protein change: p.Val36Ala; replaces valine 36 with alanine.
Molecular consequence: missense variant.
Genome position (GRCh38, 1-based): chrX:77,875,593, A>G on the plus strand (T>C on the coding strand, the complement: MAGT1 is on the minus strand). VCF-style: chrX-77875593-A-G. GRCh37 (hg19) VCF-style: chrX-77131090-A-G.
Other names: c.203T>C, p.Val68Ala (NM_032121.5); short protein forms V36A, V68A.
Identifiers: ClinVar variation 4809181 (VCV004809181.1).
Genomic context (GRCh38, chrX:77,875,593, plus strand): 5'-ATTCTTATTACAGGTCTTTTGTTAGTCCATTCCATCAGCTGACTAACCTTTTCAGATAAC[A>G]CCATCTAAAAAAGACAAAGTGAGCATGCTATTAATATACTCAACTTGGCATTTAAAGTTC-3'
Protein context (NP_001354845.1, residues 26-46): SASAQRKKEM[Val36Ala]LSEKVSQLME

ClinVar aggregate classification (germline): Uncertain significance (1 of 4 stars; one submission).

Conditions:
X-linked immunodeficiency with magnesium defect, Epstein-Barr virus infection and neoplasia. Identifiers: Orphanet 317476, MedGen C3275445, MONDO:0010455, OMIM 300853.

gnomAD v4.1: 3 of 1,205,951 alleles (0.00025%); highest among the groups gnomAD compares: African/African-American, 0.0018%; no homozygotes.

Submission:

Labcorp Genetics (formerly Invitae), Labcorp
Classification: Uncertain significance for X-linked immunodeficiency with magnesium defect, Epstein-Barr virus infection and neoplasia. Last evaluated: 2025-08-01. Review status: criteria provided, single submitter. Criteria: Invitae Variant Classification Sherloc (09022015). Collection method: clinical testing. Allele origin: germline.
Comment: This sequence change replaces valine, which is neutral and non-polar, with alanine, which is neutral and non-polar, at codon 68 of the MAGT1 protein (p.Val68Ala). This variant is present in population databases (no rsID available, gnomAD 0.001%). This variant has not been reported in the literature in individuals affected with MAGT1-related conditions. Invitae Evidence Modeling of protein sequence and biophysical properties (such as structural, functional, and spatial information, amino acid conservation, physicochemical variation, residue mobility, and thermodynamic stability) indicates that this missense variant is not expected to disrupt MAGT1 protein function with a negative predictive value of 80%. In summary, the available evidence is currently insufficient to determine the role of this variant in disease. Therefore, it has been classified as a Variant of Uncertain Significance.